The following is an entry in ClinVar:

NM_032119.4(ADGRV1):c.7177G>A (p.Asp2393Asn)

Gene: ADGRV1 (adhesion G protein-coupled receptor V1; plus strand). Cytogenetic location: 5q14.3.
Variant type: single nucleotide variant.
Coding change: c.7177G>A on transcript NM_032119.4 (MANE Select); coding-DNA position 7177, G replaced by A.
Protein change: p.Asp2393Asn; replaces aspartic acid 2393 with asparagine.
Molecular consequence: missense variant. On other transcripts: non-coding transcript variant (1).
Genome position (GRCh38, 1-based): chr5:90,693,933, G>A. VCF-style: chr5-90693933-G-A. GRCh37 (hg19) VCF-style: chr5-89989750-G-A.
Other names: short protein forms D2393N.
Identifiers: ClinVar variation 862833 (VCV000862833.7), dbSNP rs1349198544, ClinGen allele CA360374177.

ClinVar aggregate classification (germline): Uncertain significance. Review status: criteria provided, multiple submitters, no conflicts (2 of 4 stars). 2 submissions from 2 submitters: Uncertain significance (2). Last evaluated 2023-08-14.

Allele frequency attached by ClinVar (database versions not stated): gnomAD exomes below 0.00001; TOPMed below 0.00001.
gnomAD v4.1: 2 of 1,596,014 alleles (0.00013%); highest among the groups gnomAD compares: Non-Finnish European, 0.00017%; no homozygotes.

Submissions (2):

GeneDx
Classification: Uncertain significance. Last evaluated: 2023-08-14. Review status: criteria provided, single submitter. Criteria: GeneDx Variant Classification Process June 2021. Collection method: clinical testing. Allele origin: germline. Affected: yes.
Comment: Not observed at significant frequency in large population cohorts (gnomAD); In silico analysis supports that this missense variant does not alter protein structure/function; Has not been previously published as pathogenic or benign to our knowledge

Labcorp Genetics (formerly Invitae), Labcorp
Classification: Uncertain significance. Last evaluated: 2021-09-02. Review status: criteria provided, single submitter. Criteria: Invitae Variant Classification Sherloc (09022015). Collection method: clinical testing. Allele origin: germline.
Comment: This sequence change replaces aspartic acid with asparagine at codon 2393 of the ADGRV1 protein (p.Asp2393Asn). The aspartic acid residue is weakly conserved and there is a small physicochemical difference between aspartic acid and asparagine. This variant is not present in population databases (ExAC no frequency). This variant has not been reported in the literature in individuals affected with ADGRV1-related conditions. Algorithms developed to predict the effect of missense changes on protein structure and function are either unavailable or do not agree on the potential impact of this missense change (SIFT: "Deleterious"; PolyPhen-2: "Possibly Damaging"; Align-GVGD: "Class C0"). In summary, the available evidence is currently insufficient to determine the role of this variant in disease. Therefore, it has been classified as a Variant of Uncertain Significance.